The following is an entry in ClinVar:

NM_138713.4(NFAT5):c.1512C>A (p.Asn504Lys)

Gene: NFAT5 (nuclear factor of activated T cells 5; plus strand). Cytogenetic location: 16q22.1.
Variant type: single nucleotide variant.
Coding change: c.1512C>A on transcript NM_138713.4 (MANE Select); coding-DNA position 1512, C replaced by A.
Protein change: p.Asn504Lys; replaces asparagine 504 with lysine.
Molecular consequence: missense variant.
Genome position (GRCh38, 1-based): chr16:69,670,243, C>A. VCF-style: chr16-69670243-C-A. GRCh37 (hg19) VCF-style: chr16-69704146-C-A.
Other names: c.1512C>A, p.Asn504Lys (NM_001113178.3); c.840C>A, p.Asn280Lys (NM_001367709.1); c.1458C>A, p.Asn486Lys (NM_006599.4); c.1230C>A, p.Asn410Lys (NM_138714.4, NM_173214.3, NM_173215.3); short protein forms N280K, N410K, N486K, N504K.
Identifiers: ClinVar variation 3344596 (VCV003344596.1).

ClinVar aggregate classification (germline): Uncertain significance (0 of 4 stars; one submission).

Conditions:
NFAT5-related disorder. Also called: NFAT5-related condition.

Submission:

PreventionGenetics, part of Exact Sciences
Classification: Uncertain significance for NFAT5-related condition. Last evaluated: 2024-07-17. Review status: no assertion criteria provided. Collection method: clinical testing. Allele origin: germline.
Comment: The NFAT5 c.1230C>A variant is predicted to result in the amino acid substitution p.Asn410Lys. To our knowledge, this variant has not been reported in the literature or in a large population database, indicating this variant is rare. At this time, the clinical significance of this variant is uncertain due to the absence of conclusive functional and genetic evidence.